The following is an entry in ClinVar:

ClinVar aggregate classification (germline): Uncertain significance (1 of 4 stars; one submission).

Submission:

GeneDx
Classification: Uncertain significance. Last evaluated: 2025-05-02. Review status: criteria provided, single submitter. Criteria: GeneDx Variant Classification Process June 2021. Collection method: clinical testing. Allele origin: germline. Affected: yes.
Comment: Not observed at significant frequency in large population cohorts (gnomAD); In silico analysis supports that this missense variant has a deleterious effect on protein structure/function; In silico analysis is inconclusive as to whether the variant alters gene splicing. In the absence of RNA/functional studies, the actual effect of this sequence change is unknown.; Has not been previously published as pathogenic or benign to our knowledge

NM_001256789.3(CACNA1F):c.3479G>C (p.Arg1160Pro)

Gene: CACNA1F (calcium voltage-gated channel subunit alpha1 F; minus strand). Cytogenetic location: Xp11.23.
Variant type: single nucleotide variant.
Coding change: c.3479G>C on transcript NM_001256789.3 (MANE Select); coding-DNA position 3479, G replaced by C.
Protein change: p.Arg1160Pro; replaces arginine 1160 with proline.
Molecular consequence: missense variant.
Genome position (GRCh38, 1-based): chrX:49,215,204, C>G on the plus strand (G>C on the coding strand, the complement: CACNA1F is on the minus strand). VCF-style: chrX-49215204-C-G. GRCh37 (hg19) VCF-style: chrX-49071664-C-G.
Other names: c.3317G>C, p.Arg1106Pro (NM_001256790.3); c.3512G>C, p.Arg1171Pro (NM_005183.4); short protein forms R1106P, R1160P, R1171P.
Identifiers: ClinVar variation 4528041 (VCV004528041.1).